The following is an entry in ClinVar:

ClinVar aggregate classification (germline): Likely pathogenic (1 of 4 stars; one submission).

gnomAD v4.1: 3 of 1,552,028 alleles (0.00019%); highest among the groups gnomAD compares: East Asian, 0.0072%; no homozygotes.

Submission:

Labcorp Genetics (formerly Invitae), Labcorp
Classification: Likely pathogenic. Last evaluated: 2023-11-18. Review status: criteria provided, single submitter. Criteria: Invitae Variant Classification Sherloc (09022015). Collection method: clinical testing. Allele origin: germline.
Comment: This sequence change replaces proline, which is neutral and non-polar, with threonine, which is neutral and polar, at codon 1511 of the ABCA4 protein (p.Pro1511Thr). This variant is not present in population databases (gnomAD no frequency). This variant has not been reported in the literature in individuals affected with ABCA4-related conditions. Advanced modeling of protein sequence and biophysical properties (such as structural, functional, and spatial information, amino acid conservation, physicochemical variation, residue mobility, and thermodynamic stability) performed at Invitae indicates that this missense variant is expected to disrupt ABCA4 protein function with a positive predictive value of 95%. This variant disrupts the p.Pro1511 amino acid residue in ABCA4. Other variant(s) that disrupt this residue have been determined to be pathogenic (PMID: 20647261, 24154662, 28559085). This suggests that this residue is clinically significant, and that variants that disrupt this residue are likely to be disease-causing. In summary, the currently available evidence indicates that the variant is pathogenic, but additional data are needed to prove that conclusively. Therefore, this variant has been classified as Likely Pathogenic.

Literature cited by the submitters: PubMed 20647261; PubMed 24154662; PubMed 28559085.

NM_000350.3(ABCA4):c.4531C>A (p.Pro1511Thr)

Gene: ABCA4 (ATP binding cassette subfamily A member 4; minus strand). Cytogenetic location: 1p22.1.
Variant type: single nucleotide variant.
Coding change: c.4531C>A on transcript NM_000350.3 (MANE Select); coding-DNA position 4531, C replaced by A.
Protein change: p.Pro1511Thr; replaces proline 1511 with threonine.
Molecular consequence: missense variant.
Genome position (GRCh38, 1-based): chr1:94,029,453, G>T on the plus strand (C>A on the coding strand, the complement: ABCA4 is on the minus strand). VCF-style: chr1-94029453-G-T. GRCh37 (hg19) VCF-style: chr1-94495009-G-T.
Other names: c.4309C>A, p.Pro1437Thr (NM_001425324.1); short protein forms P1437T, P1511T.
Identifiers: ClinVar variation 2697215 (VCV002697215.3), dbSNP rs1316934987, ClinGen allele CA341284776.